The following is an entry in ClinVar:

ClinVar aggregate classification (germline): Uncertain significance (1 of 4 stars; one submission).

Conditions:
Inborn genetic diseases. Identifiers: MedGen C0950123, MeSH D030342.

Submission:

Ambry Genetics
Classification: Uncertain significance for Inborn genetic diseases. Last evaluated: 2025-08-29. Review status: criteria provided, single submitter. Criteria: Ambry Variant Classification Scheme 2023. Collection method: clinical testing. Allele origin: germline.
Comment: The p.T563N variant (also known as c.1688C>A), located in coding exon 12 of the ASXL1 gene, results from a C to A substitution at nucleotide position 1688. The threonine at codon 563 is replaced by asparagine, an amino acid with similar properties. This amino acid position is conserved. In addition, this alteration is predicted to be tolerated by in silico analysis. Based on the available evidence, the clinical significance of this variant remains unclear.

NM_015338.6(ASXL1):c.1688C>A (p.Thr563Asn)

Gene: ASXL1 (ASXL transcriptional regulator 1; plus strand). Cytogenetic location: 20q11.21.
Variant type: single nucleotide variant.
Coding change: c.1688C>A on transcript NM_015338.6 (MANE Select); coding-DNA position 1688, C replaced by A.
Protein change: p.Thr563Asn; replaces threonine 563 with asparagine.
Molecular consequence: missense variant.
Genome position (GRCh38, 1-based): chr20:32,433,886, C>A. VCF-style: chr20-32433886-C-A. GRCh37 (hg19) VCF-style: chr20-31021689-C-A.
Other names: c.1505C>A, p.Thr502Asn (NM_001363734.1); short protein forms T502N, T563N.
Identifiers: ClinVar variation 4159247 (VCV004159247.1).
Genomic context (GRCh38, chr20:32,433,886, plus strand): 5'-AAGATCGTCAGTCCTTTCGTAACACAATTGAAAGTGTTCACACCGAAAAGCCACAGCCCA[C>A]TAAAGAGGAGCCCAAAGTCCCGCCCATCCGGGTAGGAGACTGTTTGATTCCTGGCTGCCC-3'
Protein context (NP_056153.2, residues 553-573): ESVHTEKPQP[Thr563Asn]KEEPKVPPIR